The following is an entry in ClinVar:

ClinVar aggregate classification (germline): Uncertain significance (1 of 4 stars; one submission).

Submission:

CeGaT Center for Human Genetics Tuebingen
Classification: Uncertain significance. Last evaluated: 2025-11-01. Review status: criteria provided, single submitter. Criteria: CeGaT Center For Human Genetics Tuebingen Variant Classification Criteria Version 2. Collection method: clinical testing. Allele origin: germline. Affected: yes. Observed: 1 variant allele.
Comment: UBA2: PM2, PS2:Moderate

NM_005499.3(UBA2):c.616G>C (p.Val206Leu)

Gene: UBA2 (ubiquitin like modifier activating enzyme 2; plus strand). Cytogenetic location: 19q13.11.
Variant type: single nucleotide variant.
Coding change: c.616G>C on transcript NM_005499.3 (MANE Select); coding-DNA position 616, G replaced by C.
Protein change: p.Val206Leu; replaces valine 206 with leucine.
Molecular consequence: missense variant.
Genome position (GRCh38, 1-based): chr19:34,443,878, G>C. VCF-style: chr19-34443878-G-C. GRCh37 (hg19) VCF-style: chr19-34934783-G-C.
Other names: c.328G>C, p.Val110Leu (NM_001411139.1); short protein forms V110L, V206L.
Identifiers: ClinVar variation 4535165 (VCV004535165.6).